The following is an entry in ClinVar:

NM_001458.5(FLNC):c.5802C>A (p.Asp1934Glu)

Genes: FLNC (filamin C; plus strand), FLNC-AS1 (FLNC antisense RNA 1; minus strand). Cytogenetic location: 7q32.1.
Variant type: single nucleotide variant.
Coding change: c.5802C>A on transcript NM_001458.5 (MANE Select); coding-DNA position 5802, C replaced by A.
Protein change: p.Asp1934Glu; replaces aspartic acid 1934 with glutamic acid.
Molecular consequence: missense variant.
Genome position (GRCh38, 1-based): chr7:128,851,588, C>A. VCF-style: chr7-128851588-C-A. GRCh37 (hg19) VCF-style: chr7-128491642-C-A.
Other names: c.5703C>A, p.Asp1901Glu (NM_001127487.2); short protein forms D1901E, D1934E.
Identifiers: ClinVar variation 4812340 (VCV004812340.1).

ClinVar aggregate classification (germline): Uncertain significance (1 of 4 stars; one submission).

Conditions:
Myofibrillar myopathy 5. Also called: FILAMINOPATHY, AUTOSOMAL DOMINANT; Filaminopathy (type). Identifiers: Orphanet 171445, MedGen C1836050, MONDO:0012289, OMIM 609524.
Distal myopathy with posterior leg and anterior hand involvement. Also called: WILLIAMS DISTAL MYOPATHY. Identifiers: Orphanet 63273, MedGen C3279722, MONDO:0013550, OMIM 614065.
Hypertrophic cardiomyopathy 26. Also called: Cardiomyopathy, familial hypertrophic, 26. Identifiers: Orphanet 75249, MedGen C4310749, MONDO:0014883, OMIM 617047.

gnomAD v4.1: 1 of 1,613,856 alleles (0.000062%); highest among the groups gnomAD compares: African/African-American, 0.0013%; no homozygotes.

Submission:

Labcorp Genetics (formerly Invitae), Labcorp
Classification: Uncertain significance for Distal myopathy with posterior leg and anterior hand involvement; Myofibrillar myopathy 5; Hypertrophic cardiomyopathy 26. Last evaluated: 2026-01-31. Review status: criteria provided, single submitter. Criteria: Invitae Variant Classification Sherloc (09022015). Collection method: clinical testing. Allele origin: germline.
Comment: This sequence change replaces aspartic acid, which is acidic and polar, with glutamic acid, which is acidic and polar, at codon 1934 of the FLNC protein (p.Asp1934Glu). This variant is not present in population databases (gnomAD no frequency). This variant has not been reported in the literature in individuals affected with FLNC-related conditions. Invitae Evidence Modeling of protein sequence and biophysical properties (such as structural, functional, and spatial information, amino acid conservation, physicochemical variation, residue mobility, and thermodynamic stability) has been performed for this missense variant. However, the output from this modeling did not meet the statistical confidence thresholds required to predict the impact of this variant on FLNC protein function. In summary, the available evidence is currently insufficient to determine the role of this variant in disease. Therefore, it has been classified as a Variant of Uncertain Significance.